The following is an entry in ClinVar:

ClinVar aggregate classification (germline): Uncertain significance (1 of 4 stars; one submission).

Conditions:
Renal cell carcinoma. Identifiers: Orphanet 217071, MedGen C0007134, MeSH D002292, MONDO:0005086, HP:0005584.

Submission:

Labcorp Genetics (formerly Invitae), Labcorp
Classification: Uncertain significance for Renal cell carcinoma. Last evaluated: 2025-11-19. Review status: criteria provided, single submitter. Criteria: Invitae Variant Classification Sherloc (09022015). Collection method: clinical testing. Allele origin: germline.
Comment: This sequence change replaces histidine, which is basic and polar, with leucine, which is neutral and non-polar, at codon 144 of the MET protein (p.His144Leu). This variant is not present in population databases (gnomAD no frequency). This variant has not been reported in the literature in individuals affected with MET-related conditions. Invitae Evidence Modeling of protein sequence and biophysical properties (such as structural, functional, and spatial information, amino acid conservation, physicochemical variation, residue mobility, and thermodynamic stability) indicates that this missense variant is not expected to disrupt MET protein function with a negative predictive value of 80%. In summary, the available evidence is currently insufficient to determine the role of this variant in disease. Therefore, it has been classified as a Variant of Uncertain Significance.

NM_000245.4(MET):c.431A>T (p.His144Leu)

Gene: MET (MET proto-oncogene, receptor tyrosine kinase; plus strand). Cytogenetic location: 7q31.2.
Variant type: single nucleotide variant.
Coding change: c.431A>T on transcript NM_000245.4 (MANE Select); coding-DNA position 431, A replaced by T.
Protein change: p.His144Leu; replaces histidine 144 with leucine.
Molecular consequence: missense variant. On other transcripts: intron variant (1).
Genome position (GRCh38, 1-based): chr7:116,699,515, A>T. VCF-style: chr7-116699515-A-T. GRCh37 (hg19) VCF-style: chr7-116339569-A-T.
Other names: c.431A>T, p.His144Leu (NM_001127500.3, NM_001324401.3); c.-91+26938A>T (NM_001324402.2); short protein forms H144L.
Identifiers: ClinVar variation 4740420 (VCV004740420.1).
Genomic context (GRCh38, chr7:116,699,515, plus strand): 5'-CCTACTATGATGATCAACTCATTAGCTGTGGCAGCGTCAACAGAGGGACCTGCCAGCGAC[A>T]TGTCTTTCCCCACAATCATACTGCTGACATACAGTCGGAGGTTCACTGCATATTCTCCCC-3'
Protein context (NP_000236.2, residues 134-154): GSVNRGTCQR[His144Leu]VFPHNHTADI